The following is an entry in ClinVar:

NM_016008.4(DYNC2LI1):c.605T>C (p.Ile202Thr)

Gene: DYNC2LI1 (dynein cytoplasmic 2 light intermediate chain 1; plus strand). Cytogenetic location: 2p21.
Variant type: single nucleotide variant.
Coding change: c.605T>C on transcript NM_016008.4 (MANE Select); coding-DNA position 605, T replaced by C.
Protein change: p.Ile202Thr; replaces isoleucine 202 with threonine.
Molecular consequence: missense variant.
Genome position (GRCh38, 1-based): chr2:43,796,746, T>C. VCF-style: chr2-43796746-T-C. GRCh37 (hg19) VCF-style: chr2-44023885-T-C.
Other names: c.608T>C, p.Ile203Thr (NM_001193464.2, NM_001348913.2); c.605T>C, p.Ile202Thr (NM_001348912.2); short protein forms I203T, I202T.
Identifiers: ClinVar variation 1939385 (VCV001939385.5), dbSNP rs1163775471, ClinGen allele CA346658853.
Genomic context (GRCh38, chr2:43,796,746, plus strand): 5'-TCTTGACTTTTTAAAATAACATATTTCTACAGGATTTTGAGTCTGAGAAGAGAAAGGTAA[T>C]ATGCAAGACACTTCGATTTGTTGCACATTATTATGGAGCATCATTAATGGTTTGTACATT-3'
Protein context (NP_057092.2, residues 192-212): QDFESEKRKV[Ile202Thr]CKTLRFVAHY

ClinVar aggregate classification (germline): Uncertain significance (1 of 4 stars; one submission).

Allele frequency attached by ClinVar (database versions not stated): gnomAD exomes below 0.00001; TOPMed below 0.00001; gnomAD 0.00001.
gnomAD v4.1: 3 of 1,613,342 alleles (0.00019%); highest among the groups gnomAD compares: Admixed American, 0.0017%; no homozygotes.

Submission:

Labcorp Genetics (formerly Invitae), Labcorp
Classification: Uncertain significance. Last evaluated: 2022-03-31. Review status: criteria provided, single submitter. Criteria: Invitae Variant Classification Sherloc (09022015). Collection method: clinical testing. Allele origin: germline.
Comment: This sequence change replaces isoleucine, which is neutral and non-polar, with threonine, which is neutral and polar, at codon 202 of the DYNC2LI1 protein (p.Ile202Thr). This variant is present in population databases (no rsID available, gnomAD 0.003%). This variant has not been reported in the literature in individuals affected with DYNC2LI1-related conditions. Algorithms developed to predict the effect of missense changes on protein structure and function are either unavailable or do not agree on the potential impact of this missense change (SIFT: "Tolerated"; PolyPhen-2: "Possibly Damaging"; Align-GVGD: "Class C0"). In summary, the available evidence is currently insufficient to determine the role of this variant in disease. Therefore, it has been classified as a Variant of Uncertain Significance.